The following is an entry in ClinVar:

NM_002529.4(NTRK1):c.526C>T (p.Gln176Ter)

Gene: NTRK1 (neurotrophic receptor tyrosine kinase 1; plus strand). Cytogenetic location: 1q23.1.
Variant type: single nucleotide variant.
Coding change: c.526C>T on transcript NM_002529.4 (MANE Select); coding-DNA position 526, C replaced by T.
Protein change: p.Gln176Ter; replaces glutamine 176 with a stop codon.
Molecular consequence: nonsense.
Genome position (GRCh38, 1-based): chr1:156,868,201, C>T. VCF-style: chr1-156868201-C-T. GRCh37 (hg19) VCF-style: chr1-156837993-C-T.
Other names: c.436C>T, p.Gln146Ter (NM_001007792.1); c.526C>T, p.Gln176Ter (NM_001012331.2); short protein forms Q146*, Q176*.
Identifiers: ClinVar variation 245651 (VCV000245651.15), dbSNP rs879253889, ClinGen allele CA10584138.
Genomic context (GRCh38, chr1:156,868,201, plus strand): 5'-CTGCGCTGGCTACAGCGCTGGGAGGAGGAGGGACTGGGCGGAGTGCCTGAACAGAAGCTG[C>T]AGTGTCATGGGCAAGGGCCCCTGGCCCACATGCCCAATGCCAGCTGTGGTAGGTGCCGGG-3'

ClinVar aggregate classification (germline): Pathogenic. Review status: criteria provided, multiple submitters, no conflicts (2 of 4 stars). 5 submissions from 5 submitters: Pathogenic (4). 1 of the submissions does not count toward it. Last evaluated 2024-03-17.

Conditions:
Hereditary insensitivity to pain with anhidrosis (CIPA). Also called: FAMILIAL DYSAUTONOMIA, TYPE II; NEUROPATHY, CONGENITAL SENSORY, WITH ANHIDROSIS; hereditary sensory and autonomic neuropathy type 4; HSAN Type IV; INSENSITIVITY TO PAIN, CONGENITAL, WITH ANHIDROSIS; NTRK1 Congenital Insensitivity to Pain with Anhidrosis. Identifiers: Orphanet 642, MedGen C0020074, MONDO:0009746, OMIM 256800.

Allele frequency attached by ClinVar (database versions not stated): gnomAD exomes below 0.00001.

Submissions (5):

Genomic Medicine Center of Excellence, King Faisal Specialist Hospital and Research Centre
Classification: Pathogenic for Hereditary insensitivity to pain with anhidrosis. Last evaluated: 2024-03-17. Review status: criteria provided, single submitter. Criteria: ACMG Guidelines, 2015. Collection method: research. Allele origin: germline.

Genome-Nilou Lab
Classification: Pathogenic for Hereditary insensitivity to pain with anhidrosis. Last evaluated: 2023-04-11. Review status: criteria provided, single submitter. Criteria: ACMG Guidelines, 2015. Collection method: clinical testing. Allele origin: germline. Affected: no.

Labcorp Genetics (formerly Invitae), Labcorp
Classification: Pathogenic for Hereditary insensitivity to pain with anhidrosis. Last evaluated: 2019-05-24. Review status: criteria provided, single submitter. Criteria: Invitae Variant Classification Sherloc (09022015). Collection method: clinical testing. Allele origin: germline.
Comment: This variant has been observed in several individuals affected with hereditary sensory autonomic neuropathy (PMID: 11668614, 28328124). ClinVar contains an entry for this variant (Variation ID: 245651). For these reasons, this variant has been classified as Pathogenic. Loss-of-function variants in NTRK1 are known to be pathogenic (PMID: 10982191). This variant is not present in population databases (ExAC no frequency). This sequence change creates a premature translational stop signal (p.Gln176*) in the NTRK1 gene. It is expected to result in an absent or disrupted protein product.

GeneDx
Classification: Pathogenic. Last evaluated: 2017-02-24. Review status: criteria provided, single submitter. Criteria: GeneDx Variant Classification (06012015). Collection method: clinical testing. Allele origin: germline. Affected: yes.
Comment: The Q176X nonsense mutation in the NTRK1 gene has been reported previously in association with congenital insensitivity to pain with anhidrosis (Indo et al., 2001; Indo et al., 2012; Davidson et al., 2012; NTRK1 LOVD database). This mutation is predicted to cause loss of normal protein function either through protein truncation or nonsense-mediated mRNA decay. Homozygosity for the Q176X mutation is consistent with a diagnosis of HSAN IV

Biochemical Molecular Genetic Laboratory, King Abdulaziz Medical City
Classification: Pathogenic for Hereditary insensitivity to pain with anhidrosis. Last evaluated: 2019-09-26. Review status: no assertion criteria provided. Collection method: clinical testing. Allele origin: germline. Affected: yes. Not counted in ClinVar's aggregate classification.

Literature cited by the submitters: PubMed 11668614 (cited by Labcorp Genetics (formerly Invitae), Labcorp); PubMed 28328124 (cited by Labcorp Genetics (formerly Invitae), Labcorp); PubMed 10982191 (cited by Labcorp Genetics (formerly Invitae), Labcorp).